The following is an entry in ClinVar:

NM_000038.6(APC):c.3101A>G (p.Glu1034Gly)

Gene: APC (APC regulator of Wnt signaling pathway; plus strand). Cytogenetic location: 5q22.2.
Variant type: single nucleotide variant.
Coding change: c.3101A>G on transcript NM_000038.6 (MANE Select); coding-DNA position 3101, A replaced by G.
Protein change: p.Glu1034Gly; replaces glutamic acid 1034 with glycine.
Molecular consequence: missense variant. On other transcripts: non-coding transcript variant (2).
Genome position (GRCh38, 1-based): chr5:112,838,695, A>G. VCF-style: chr5-112838695-A-G. GRCh37 (hg19) VCF-style: chr5-112174392-A-G.
Other names: c.3101A>G, p.Glu1034Gly (NM_001127510.3, NM_001354895.2, NM_001407450.1); c.3155A>G, p.Glu1052Gly (NM_001354896.2, NM_001407447.1, NM_001407448.1 and 1 more transcripts); c.3131A>G, p.Glu1044Gly (NM_001354897.2); c.3026A>G, p.Glu1009Gly (NM_001354898.2); c.3017A>G, p.Glu1006Gly (NM_001354899.2); c.3047A>G, p.Glu1016Gly (NM_001127511.3); c.2978A>G, p.Glu993Gly (NM_001354900.2); c.2924A>G, p.Glu975Gly (NM_001354901.2, NM_001407453.1); and 11 more; short protein forms E1024G, E1027G, E874G, E933G, E1009G, E1052G, E905G, E943G.
Identifiers: ClinVar variation 4577271 (VCV004577271.1).

ClinVar aggregate classification (germline): Uncertain significance (1 of 4 stars; one submission).

Conditions:
Hereditary cancer-predisposing syndrome. Also called: Neoplastic Syndromes, Hereditary; Tumor predisposition; Hereditary Cancer Syndrome; Hereditary neoplastic syndrome. Identifiers: Orphanet 140162, MedGen C0027672, MeSH D009386, MONDO:0015356.

Submission:

Ambry Genetics
Classification: Uncertain significance for Hereditary cancer-predisposing syndrome. Last evaluated: 2025-09-21. Review status: criteria provided, single submitter. Criteria: Ambry Variant Classification Scheme 2023. Collection method: clinical testing. Allele origin: germline.
Comment: The p.E1034G variant (also known as c.3101A>G), located in coding exon 15 of the APC gene, results from an A to G substitution at nucleotide position 3101. The glutamic acid at codon 1034 is replaced by glycine, an amino acid with similar properties. This amino acid position is conserved. In addition, in silico predictors for this gene do not accurately predict pathogenicity. Based on the available evidence, the clinical significance of this variant remains unclear.